The following is an entry in ClinVar:

NM_006031.6(PCNT):c.54+9T>A

Gene: PCNT (pericentrin; plus strand). Cytogenetic location: 21q22.3.
Variant type: single nucleotide variant.
Coding change: c.54+9T>A on transcript NM_006031.6 (MANE Select); 9 bases into the intron after coding-DNA position 54, T replaced by A.
Molecular consequence: intron variant.
Genome position (GRCh38, 1-based): chr21:46,324,291, T>A. VCF-style: chr21-46324291-T-A. GRCh37 (hg19) VCF-style: chr21-47744205-T-A.
Other names: c.54+9T>A (NM_006031.5).
Identifiers: ClinVar variation 1598158 (VCV001598158.10), dbSNP rs771000653, ClinGen allele CA10078097.
Genomic context (GRCh38, chr21:46,324,291, plus strand): 5'-GGAAGTTGAGCAAGAGCAGCGGCGCAGAAAGGTGGAGGCCGGGAGGACGAAGGTAAACAT[T>A]AGGGGCTTCTTCTCTAGCTGCTCTGGCGTGAAGTCCTAAGGGCGGCTCCGGTGCCCGCCA-3'

ClinVar aggregate classification (germline): Likely benign. Review status: criteria provided, single submitter (1 of 4 stars). 2 submissions from 2 submitters: Likely benign (1). 1 of the submissions does not count toward it. Last evaluated 2026-01-09.

Conditions:
PCNT-related disorder. Also called: PCNT-related condition.

Allele frequency attached by ClinVar (database versions not stated): gnomAD 0.00003; TOPMed 0.00008.
gnomAD v4.1: 35 of 1,604,198 alleles (0.0022%); highest among the groups gnomAD compares: Admixed American, 0.057%; no homozygotes.

Submissions (2):

Labcorp Genetics (formerly Invitae), Labcorp
Classification: Likely benign. Last evaluated: 2026-01-09. Review status: criteria provided, single submitter. Criteria: Invitae Variant Classification Sherloc (09022015). Collection method: clinical testing. Allele origin: germline.

PreventionGenetics, part of Exact Sciences
Classification: Likely benign for PCNT-related condition. Last evaluated: 2021-12-08. Review status: no assertion criteria provided. Collection method: clinical testing. Allele origin: germline. Not counted in ClinVar's aggregate classification.
Comment: This variant is classified as likely benign based on ACMG/AMP sequence variant interpretation guidelines (Richards et al. 2015 PMID: 25741868, with internal and published modifications).